The following is an entry in ClinVar:

NM_001104631.2(PDE4D):c.23C>A (p.Ala8Glu)

Gene: PDE4D (phosphodiesterase 4D; minus strand). Cytogenetic location: 5q12.1.
Variant type: single nucleotide variant.
Coding change: c.23C>A on transcript NM_001104631.2 (MANE Select); coding-DNA position 23, C replaced by A.
Protein change: p.Ala8Glu; replaces alanine 8 with glutamic acid.
Molecular consequence: missense variant. On other transcripts: intron variant (5).
Genome position (GRCh38, 1-based): chr5:59,893,600, G>T on the plus strand (C>A on the coding strand, the complement: PDE4D is on the minus strand). VCF-style: chr5-59893600-G-T. GRCh37 (hg19) VCF-style: chr5-59189427-G-T.
Other names: c.272+94888C>A (NM_001364599.1, NM_001165899.2, NM_001364600.2); c.-240+94888C>A (NM_001349243.2); c.242+94888C>A (NM_001349241.2); short protein forms A8E.
Identifiers: ClinVar variation 3661798 (VCV003661798.2).
Genomic context (GRCh38, chr5:59,893,600, plus strand): 5'-GCTTTGAGCGTGGCCCCGCCGGCGCTGTCGCTGCCCTCTCCGCTGCCCGCCCGGGCCGGC[G>T]CGCTGCTGCCCTCTGCCTCCATCCTGGCTCGCGGCTCCGCGACCTGCTGCCCAGCCCGGG-3'
Protein context (NP_001098101.1, residues 1-18): MEAEGSS[Ala8Glu]PARAGSGEGS

ClinVar aggregate classification (germline): Uncertain significance (1 of 4 stars; one submission).

Submission:

Labcorp Genetics (formerly Invitae), Labcorp
Classification: Uncertain significance. Last evaluated: 2024-08-08. Review status: criteria provided, single submitter. Criteria: Invitae Variant Classification Sherloc (09022015). Collection method: clinical testing. Allele origin: germline.
Comment: This sequence change replaces alanine, which is neutral and non-polar, with glutamic acid, which is acidic and polar, at codon 8 of the PDE4D protein (p.Ala8Glu). This variant is not present in population databases (gnomAD no frequency). This variant has not been reported in the literature in individuals affected with PDE4D-related conditions. Experimental studies and prediction algorithms are not available or were not evaluated, and the functional significance of this variant is currently unknown. In summary, the available evidence is currently insufficient to determine the role of this variant in disease. Therefore, it has been classified as a Variant of Uncertain Significance.